The following is an entry in ClinVar:

NM_003190.5(TAPBP):c.18_19delinsTT (p.Leu7Phe)

Gene: TAPBP (TAP binding protein; minus strand). Cytogenetic location: 6p21.32.
Variant type: Indel.
Coding change: c.18_19delinsTT on transcript NM_003190.5 (MANE Select); coding-DNA positions 18 to 19, GC replaced by TT.
Protein change: p.Leu7Phe; replaces leucine 7 with phenylalanine.
Molecular consequence: missense variant.
Genome position (GRCh38, 1-based): chr6:33,314,023-33,314,024, GC replaced by AA on the plus strand (GC replaced by TT on the coding strand, the reverse complement: TAPBP is on the minus strand). VCF-style: chr6-33314023-GC-AA. GRCh37 (hg19) VCF-style: chr6-33281800-GC-AA.
Other names: c.18_19delinsTT, p.Leu7Phe (NM_172208.3, NM_172209.3); short protein forms L7F.
Identifiers: ClinVar variation 1390851 (VCV001390851.8), dbSNP rs2150976796, ClinGen allele CA2573140279.

ClinVar aggregate classification (germline): Uncertain significance (1 of 4 stars; one submission).

Conditions:
MHC class I deficiency. Identifiers: Orphanet 34592, MedGen C6024714, MONDO:0011476.

Submission:

Labcorp Genetics (formerly Invitae), Labcorp
Classification: Uncertain significance for MHC class I deficiency 1. Last evaluated: 2025-05-06. Review status: criteria provided, single submitter. Criteria: Invitae Variant Classification Sherloc (09022015). Collection method: clinical testing. Allele origin: germline.
Comment: This sequence change replaces leucine, which is neutral and non-polar, with phenylalanine, which is neutral and non-polar, at codon 7 of the TAPBP protein (p.Leu7Phe). Information on the frequency of this variant in the gnomAD database is not available, as this variant may be reported differently in the database. This variant has not been reported in the literature in individuals affected with TAPBP-related conditions. ClinVar contains an entry for this variant (Variation ID: 1390851). Experimental studies and prediction algorithms are not available or were not evaluated, and the functional significance of this variant is currently unknown. In summary, the available evidence is currently insufficient to determine the role of this variant in disease. Therefore, it has been classified as a Variant of Uncertain Significance.